The following is an entry in ClinVar:

ClinVar aggregate classification (germline): Uncertain significance (1 of 4 stars; one submission).

Allele frequency attached by ClinVar (database versions not stated): 1000 Genomes Project 30x 0.00031; 1000 Genomes Project 0.00020.
gnomAD v4.1: 2 of 1,614,210 alleles (0.00012%); highest among the groups gnomAD compares: Admixed American, 0.0017%; no homozygotes.

Submission:

Labcorp Genetics (formerly Invitae), Labcorp
Classification: Uncertain significance. Last evaluated: 2025-06-12. Review status: criteria provided, single submitter. Criteria: Invitae Variant Classification Sherloc (09022015). Collection method: clinical testing. Allele origin: germline.
Comment: This sequence change replaces serine, which is neutral and polar, with phenylalanine, which is neutral and non-polar, at codon 152 of the NR3C2 protein (p.Ser152Phe). This variant is present in population databases (rs558006881, gnomAD 0.003%). This variant has not been reported in the literature in individuals affected with NR3C2-related conditions. ClinVar contains an entry for this variant (Variation ID: 2117049). Invitae Evidence Modeling of protein sequence and biophysical properties (such as structural, functional, and spatial information, amino acid conservation, physicochemical variation, residue mobility, and thermodynamic stability) indicates that this missense variant is not expected to disrupt NR3C2 protein function with a negative predictive value of 80%. In summary, the available evidence is currently insufficient to determine the role of this variant in disease. Therefore, it has been classified as a Variant of Uncertain Significance.

NM_000901.5(NR3C2):c.455C>T (p.Ser152Phe)

Gene: NR3C2 (nuclear receptor subfamily 3 group C member 2; minus strand). Cytogenetic location: 4q31.23.
Variant type: single nucleotide variant.
Coding change: c.455C>T on transcript NM_000901.5 (MANE Select); coding-DNA position 455, C replaced by T.
Protein change: p.Ser152Phe; replaces serine 152 with phenylalanine.
Molecular consequence: missense variant. On other transcripts: non-coding transcript variant (1).
Genome position (GRCh38, 1-based): chr4:148,436,406, G>A on the plus strand (C>T on the coding strand, the complement: NR3C2 is on the minus strand). VCF-style: chr4-148436406-G-A. GRCh37 (hg19) VCF-style: chr4-149357558-G-A.
Other names: c.455C>T, p.Ser152Phe (NM_001166104.2, NM_001354819.1); short protein forms S152F.
Identifiers: ClinVar variation 2117049 (VCV002117049.4), dbSNP rs558006881, ClinGen allele CA3100463.